The following is an entry in ClinVar:

ClinVar aggregate classification (germline): Conflicting classifications of pathogenicity. Review status: criteria provided, conflicting classifications (1 of 4 stars). 4 submissions from 4 submitters: Likely pathogenic (2); Uncertain significance (1). 1 of the submissions does not count toward it. Last evaluated 2024-08-16.

Conditions:
PEX3-related disorder. Also called: PEX3-related condition.
Peroxisome biogenesis disorder 10B. Identifiers: MedGen C4479254, MONDO:0054549, OMIM 617370.

Allele frequency attached by ClinVar (database versions not stated): TOPMed below 0.00001; gnomAD exomes 0.00001.
gnomAD v4.1: 7 of 1,607,402 alleles (0.00044%); highest among the groups gnomAD compares: Non-Finnish European, 0.0006%; no homozygotes.

Submissions (4):

Blueprint Genetics
Classification: Likely pathogenic for PEX3-related disorders. Last evaluated: 2024-08-16. Review status: criteria provided, single submitter. Criteria: ACMG Guidelines, 2015. Collection method: clinical testing. Allele origin: germline. Affected: yes. Observed: 3 variant alleles.

Labcorp Genetics (formerly Invitae), Labcorp
Classification: Uncertain significance. Last evaluated: 2021-05-01. Review status: criteria provided, single submitter. Criteria: Invitae Variant Classification Sherloc (09022015). Collection method: clinical testing. Allele origin: germline.
Comment: In summary, the available evidence is currently insufficient to determine the role of this variant in disease. Therefore, it has been classified as a Variant of Uncertain Significance. Algorithms developed to predict the effect of missense changes on protein structure and function are either unavailable or do not agree on the potential impact of this missense change (SIFT: "Deleterious"; PolyPhen-2: "Probably Damaging"; Align-GVGD: "Class C15"). This variant has been observed in individual(s) with Zellweger spectrum disorder (PMID: 27557811). ClinVar contains an entry for this variant (Variation ID: 390240). This variant is not present in population databases (ExAC no frequency). This sequence change replaces glycine with arginine at codon 331 of the PEX3 protein (p.Gly331Arg). The glycine residue is highly conserved and there is a moderate physicochemical difference between glycine and arginine.

SIB Swiss Institute of Bioinformatics
Classification: Likely pathogenic for Peroxisome biogenesis disorder 10B. Last evaluated: 2018-04-16. Review status: criteria provided, single submitter. Criteria: ACMG Guidelines, 2015. Collection method: curation. Allele origin: germline.
Comment: This variant is interpreted as a Likely Pathogenic, for Peroxisome biogenesis disorder 10B, Autosomal Recessive inheritance. The following ACMG Tag(s) were applied: PM2 => Absent from controls (or at extremely low frequency if recessive) in Exome Sequencing Project, 1000 Genomes Project, or Exome Aggregation Consortium. PM3 => For recessive disorders, detected in trans with a pathogenic variant. PS3-Moderate => PS3 downgraded in strength to Moderate (PMID:27557811).

OMIM
Classification: Pathogenic for PEROXISOME BIOGENESIS DISORDER 10B (1 patient). Last evaluated: 2017-07-20. Review status: no assertion criteria provided. Collection method: literature only. Allele origin: germline. Not counted in ClinVar's aggregate classification.

Literature cited by the submitters: PubMed 27557811 (cited by 3 submitters).

NM_003630.3(PEX3):c.991G>A (p.Gly331Arg)

Gene: PEX3 (peroxisomal biogenesis factor 3; plus strand). Cytogenetic location: 6q24.2.
Variant type: single nucleotide variant.
Coding change: c.991G>A on transcript NM_003630.3 (MANE Select); coding-DNA position 991, G replaced by A.
Protein change: p.Gly331Arg; replaces glycine 331 with arginine.
Molecular consequence: missense variant.
Genome position (GRCh38, 1-based): chr6:143,485,201, G>A. VCF-style: chr6-143485201-G-A. GRCh37 (hg19) VCF-style: chr6-143806338-G-A.
Other names: NM_003630.2:c.991G>A(p.Gly331Arg); short protein forms G331R.
Identifiers: ClinVar variation 390240 (VCV000390240.10), dbSNP rs1057523689, ClinGen allele CA16609230.